The following is an entry in ClinVar:

NM_002381.5(MATN3):c.1122A>T (p.Glu374Asp)

Genes: MATN3 (matrilin 3; minus strand), WDR35-DT (WDR35 divergent transcript; plus strand). Cytogenetic location: 2p24.1.
Variant type: single nucleotide variant.
Coding change: c.1122A>T on transcript NM_002381.5 (MANE Select); coding-DNA position 1122, A replaced by T.
Protein change: p.Glu374Asp; replaces glutamic acid 374 with aspartic acid.
Molecular consequence: missense variant.
Genome position (GRCh38, 1-based): chr2:20,000,487, T>A on the plus strand (A>T on the coding strand, the complement: MATN3 is on the minus strand). VCF-style: chr2-20000487-T-A. GRCh37 (hg19) VCF-style: chr2-20200248-T-A.
Other names: short protein forms E374D.
Identifiers: ClinVar variation 1047857 (VCV001047857.8), dbSNP rs755424873, ClinGen allele CA1543798.

ClinVar aggregate classification (germline): Uncertain significance (1 of 4 stars; one submission).

Allele frequency attached by ClinVar (database versions not stated): gnomAD exomes 0.00002 and 0.00004; ExAC 0.00003; gnomAD 0.00003; TOPMed 0.00004.
gnomAD v4.1: 15 of 1,612,608 alleles (0.00093%); highest among the groups gnomAD compares: Admixed American, 0.023%; no homozygotes.

Submission:

Labcorp Genetics (formerly Invitae), Labcorp
Classification: Uncertain significance. Last evaluated: 2024-07-24. Review status: criteria provided, single submitter. Criteria: Invitae Variant Classification Sherloc (09022015). Collection method: clinical testing. Allele origin: germline.
Comment: This sequence change replaces glutamic acid, which is acidic and polar, with aspartic acid, which is acidic and polar, at codon 374 of the MATN3 protein (p.Glu374Asp). This variant is present in population databases (rs755424873, gnomAD 0.02%). This variant has not been reported in the literature in individuals affected with MATN3-related conditions. ClinVar contains an entry for this variant (Variation ID: 1047857). Advanced modeling of protein sequence and biophysical properties (such as structural, functional, and spatial information, amino acid conservation, physicochemical variation, residue mobility, and thermodynamic stability) performed at Invitae indicates that this missense variant is not expected to disrupt MATN3 protein function with a negative predictive value of 80%. In summary, the available evidence is currently insufficient to determine the role of this variant in disease. Therefore, it has been classified as a Variant of Uncertain Significance.